The following is an entry in ClinVar:

NM_000070.3(CAPN3):c.1123G>A (p.Asp375Asn)

Gene: CAPN3 (calpain 3; plus strand). Cytogenetic location: 15q15.1.
Variant type: single nucleotide variant.
Coding change: c.1123G>A on transcript NM_000070.3 (MANE Select); coding-DNA position 1123, G replaced by A.
Protein change: p.Asp375Asn; replaces aspartic acid 375 with asparagine.
Molecular consequence: missense variant.
Genome position (GRCh38, 1-based): chr15:42,396,807, G>A. VCF-style: chr15-42396807-G-A. GRCh37 (hg19) VCF-style: chr15-42689005-G-A.
Other names: c.1123G>A, p.Asp375Asn (NM_024344.2); c.979G>A, p.Asp327Asn (NM_173087.2); c.862G>A, p.Asp288Asn (NM_212464.2); c.*816G>A (NM_212467.2); short protein forms D288N, D327N, D375N.
Identifiers: ClinVar variation 1709814 (VCV001709814.2), dbSNP rs2053707997, ClinGen allele CA391999128.

ClinVar aggregate classification (germline): Uncertain significance (1 of 4 stars; one submission).

Conditions:
Autosomal recessive limb-girdle muscular dystrophy type 2A (LGMDR1). Also called: Limb-girdle muscular dystrophy, type 2A; Calpainopathy; LEYDEN-MOEBIUS MUSCULAR DYSTROPHY; MUSCULAR DYSTROPHY, PELVOFEMORAL; Muscular dystrophy, limb-girdle, type 2A, Amish. Identifiers: Orphanet 267, MedGen C1869123, MONDO:0009675, OMIM 253600. Disease mechanism: loss of function.

Submission:

MGZ Medical Genetics Center
Classification: Uncertain significance for Autosomal recessive limb-girdle muscular dystrophy type 2A. Last evaluated: 2022-03-01. Review status: criteria provided, single submitter. Criteria: ACMG Guidelines, 2015. Collection method: clinical testing. Allele origin: germline. Affected: yes. Observed: 1 variant allele.
Comment: ACMG criteria applied: PM2_SUP, PP3